The following is an entry in ClinVar:

ClinVar aggregate classification (germline): Uncertain significance (1 of 4 stars; one submission).

Conditions:
Inborn genetic diseases. Identifiers: MedGen C0950123, MeSH D030342.

gnomAD v4.1: 6 of 1,613,738 alleles (0.00037%); highest among the groups gnomAD compares: Non-Finnish European, 0.000085%; no homozygotes.

Submission:

Ambry Genetics
Classification: Uncertain significance for Inborn genetic diseases. Last evaluated: 2026-03-26. Review status: criteria provided, single submitter. Criteria: Ambry Variant Classification Scheme 2023. Collection method: clinical testing. Allele origin: germline.
Comment: The c.6619G>A (p.G2207R) alteration is located in exon 47 (coding exon 47) of the FRAS1 gene. This alteration results from a G to A substitution at nucleotide position 6619, causing the glycine (G) at amino acid position 2207 to be replaced by an arginine (R). Based on data from gnomAD, the A allele has an overall frequency of 0.001% (3/280334) total alleles studied. The highest observed frequency was <0.001% (/) of alleles. Based on insufficient or conflicting evidence, the clinical significance of this alteration remains unclear.

NM_025074.7(FRAS1):c.6619G>A (p.Gly2207Arg)

Gene: FRAS1 (Fraser extracellular matrix complex subunit 1; plus strand). Cytogenetic location: 4q21.21.
Variant type: single nucleotide variant.
Coding change: c.6619G>A on transcript NM_025074.7 (MANE Select); coding-DNA position 6619, G replaced by A.
Protein change: p.Gly2207Arg; replaces glycine 2207 with arginine.
Molecular consequence: missense variant.
Genome position (GRCh38, 1-based): chr4:78,452,210, G>A. VCF-style: chr4-78452210-G-A. GRCh37 (hg19) VCF-style: chr4-79373364-G-A.
Other names: short protein forms G2207R.
Identifiers: ClinVar variation 4871535 (VCV004871535.1).